The following is an entry in ClinVar:

NM_015465.5(GEMIN5):c.119del (p.Arg40fs)

Gene: GEMIN5 (gem nuclear organelle associated protein 5; minus strand). Cytogenetic location: 5q33.2.
Variant type: Deletion.
Coding change: c.119del on transcript NM_015465.5 (MANE Select); coding-DNA position 119, one base deleted (G; older notation c.119delG).
Protein change: p.Arg40fs; shifts the reading frame from arginine 40.
Molecular consequence: frameshift variant.
Genome position (GRCh38, 1-based): chr5:154,938,015, C deleted on the plus strand (G on the coding strand, the reverse complement: GEMIN5 is on the minus strand). VCF-style (leftmost placement, unchanged base first): chr5-154938014-GC-G. GRCh37 (hg19) VCF-style: chr5-154317574-GC-G.
Other names: c.119del, p.Arg40fs (NM_001252156.2); short protein forms R40fs.
Identifiers: ClinVar variation 2290228 (VCV002290228.2), dbSNP rs2481122799, ClinGen allele CA2580073929.
Genomic context (GRCh38, chr5:154,938,014, plus strand): 5'-GGGTGGTGAGTTACCTCGAAACGGGGGTGTCCCTGGACTCTCGCCTGCGCCCGGGCCCAC[GC>G]GGACAAGGAAGACGGAGGTCCGCGCGGCGAAGCCAAAGAGGCCCCCGGGCACGGCATCGC-3'

ClinVar aggregate classification (germline): Pathogenic (1 of 4 stars; one submission).

Conditions:
Inborn genetic diseases. Identifiers: MedGen C0950123, MeSH D030342.

Allele frequency attached by ClinVar (database versions not stated): gnomAD exomes below 0.00001.

Submission:

Ambry Genetics
Classification: Pathogenic for Inborn genetic diseases. Last evaluated: 2022-06-23. Review status: criteria provided, single submitter. Criteria: Ambry Variant Classification Scheme 2023. Collection method: clinical testing. Allele origin: germline.
Comment: The c.119delG (p.R40Pfs*18) alteration, located in exon 1 (coding exon 1) of the GEMIN5 gene, consists of a deletion of one nucleotide at position 119, causing a translational frameshift with a predicted alternate stop codon after 18 amino acids. This alteration is expected to result in loss of function by premature protein truncation or nonsense-mediated mRNA decay. This variant was not reported in population-based cohorts in the Genome Aggregation Database (gnomAD). Based on the available evidence, this alteration is classified as pathogenic.